The following is an entry in ClinVar:

NM_007294.4(BRCA1):c.4318G>A (p.Glu1440Lys)

Gene: BRCA1 (BRCA1 DNA repair associated; minus strand). Cytogenetic location: 17q21.31.
Variant type: single nucleotide variant.
Coding change: c.4318G>A on transcript NM_007294.4 (MANE Select); coding-DNA position 4318, G replaced by A.
Protein change: p.Glu1440Lys; replaces glutamic acid 1440 with lysine.
Molecular consequence: missense variant. On other transcripts: non-coding transcript variant (1).
Genome position (GRCh38, 1-based): chr17:43,082,443, C>T on the plus strand (G>A on the coding strand, the complement: BRCA1 is on the minus strand). VCF-style: chr17-43082443-C-T. GRCh37 (hg19) VCF-style: chr17-41234460-C-T.
Other names: c.4105G>A, p.Glu1369Lys (NM_001407853.1, NM_001407894.1, NM_001407895.1 and 12 more transcripts); c.4318G>A, p.Glu1440Lys (NM_001407854.1, NM_001407858.1, NM_001407859.1 and 23 more transcripts); c.4315G>A, p.Glu1439Lys (NM_001407860.1, NM_001407861.1, NM_001407587.1 and 21 more transcripts); c.4117G>A, p.Glu1373Lys (NM_001407862.1); c.4108G>A, p.Glu1370Lys (NM_001407889.1, NM_001407900.1, NM_001407902.1 and 9 more transcripts); c.4195G>A, p.Glu1399Lys (NM_001407919.1, NM_001407938.1, NM_001407939.1 and 13 more transcripts); c.4054G>A, p.Glu1352Lys (NM_001407920.1, NM_001407921.1, NM_001407922.1 and 7 more transcripts); c.4192G>A, p.Glu1398Lys (NM_001407940.1, NM_001407941.1, NM_001407649.1 and 12 more transcripts); and 51 more; short protein forms E1440K, E337K, E1393K, E1144K, E1312K, E1351K, E1369K, E1372K.
Identifiers: ClinVar variation 824788 (VCV000824788.6), dbSNP rs1555584070, ClinGen allele CA10593087.

ClinVar aggregate classification (germline): Uncertain significance (1 of 4 stars; one submission).

Conditions:
Hereditary cancer-predisposing syndrome. Also called: Hereditary Cancer Syndrome; Tumor predisposition; Neoplastic Syndromes, Hereditary; Hereditary neoplastic syndrome. Identifiers: Orphanet 140162, MedGen C0027672, MeSH D009386, MONDO:0015356.

Submission:

Ambry Genetics
Classification: Uncertain significance for Hereditary cancer-predisposing syndrome. Last evaluated: 2026-02-13. Review status: criteria provided, single submitter. Criteria: Ambry Variant Classification Scheme 2023. Collection method: clinical testing. Allele origin: germline.
Comment: The p.E1440K variant (also known as c.4318G>A), located in coding exon 11 of the BRCA1 gene, results from a G to A substitution at nucleotide position 4318. The glutamic acid at codon 1440 is replaced by lysine, an amino acid with similar properties. This amino acid position is not well conserved in available vertebrate species. In addition, this alteration is predicted to be tolerated by in silico analysis. Based on the available evidence, the clinical significance of this variant remains unclear.